The following is an entry in ClinVar:

ClinVar aggregate classification (germline): Uncertain significance (1 of 4 stars; one submission).

Conditions:
Intellectual disability, autosomal dominant 16 (CSS4). Also called: COFFIN-SIRIS SYNDROME 4. Identifiers: Orphanet 1465, MedGen C3553249, MONDO:0013821, OMIM 614609.

Allele frequency attached by ClinVar (database versions not stated): gnomAD exomes below 0.00001.
gnomAD v4.1: 1 of 1,614,120 alleles (0.000062%); highest among the groups gnomAD compares: Non-Finnish European, 0.000085%; no homozygotes.

Submission:

Laboratorio de Genetica e Diagnostico Molecular, Hospital Israelita Albert Einstein
Classification: Uncertain significance for Intellectual disability, autosomal dominant 16. Last evaluated: 2023-01-06. Review status: criteria provided, single submitter. Criteria: ACMG Guidelines, 2015. Collection method: clinical testing. Allele origin: germline. Affected: yes.
Comment: ACMG classification criteria: PM2 moderated, PP2 supporting, BP4 supporting

NM_003072.5(SMARCA4):c.4601A>G (p.Gln1534Arg)

Gene: SMARCA4 (SWI/SNF related BAF chromatin remodeling complex subunit ATPase 4; plus strand). Cytogenetic location: 19p13.2.
Variant type: single nucleotide variant.
Coding change: c.4601A>G on transcript NM_003072.5 (MANE Select); coding-DNA position 4601, A replaced by G.
Protein change: p.Gln1534Arg; replaces glutamine 1534 with arginine.
Molecular consequence: missense variant. On other transcripts: non-coding transcript variant (1).
Genome position (GRCh38, 1-based): chr19:11,058,855, A>G. VCF-style: chr19-11058855-A-G. GRCh37 (hg19) VCF-style: chr19-11169531-A-G.
Other names: c.4601A>G, p.Gln1534Arg (NM_001128844.3); c.4511A>G, p.Gln1504Arg (NM_001128845.2); c.4508A>G, p.Gln1503Arg (NM_001128846.2); c.4502A>G, p.Gln1501Arg (NM_001128847.4, NM_001374457.1); c.4499A>G, p.Gln1500Arg (NM_001128848.2); c.4697A>G, p.Gln1566Arg (NM_001128849.3, NM_001387283.1); c.4598A>G, p.Gln1533Arg (NM_001411150.1); short protein forms Q1500R, Q1501R, Q1503R, Q1504R, Q1533R, Q1534R, Q1566R.
Identifiers: ClinVar variation 2431779 (VCV002431779.2), dbSNP rs2147098465, ClinGen allele CA404078992.